The following is an entry in ClinVar:

NM_080473.5(GATA5):c.262C>T (p.Pro88Ser)

Gene: GATA5 (GATA binding protein 5; minus strand). Cytogenetic location: 20q13.33.
Variant type: single nucleotide variant.
Coding change: c.262C>T on transcript NM_080473.5 (MANE Select); coding-DNA position 262, C replaced by T.
Protein change: p.Pro88Ser; replaces proline 88 with serine.
Molecular consequence: missense variant.
Genome position (GRCh38, 1-based): chr20:62,475,260, G>A on the plus strand (C>T on the coding strand, the complement: GATA5 is on the minus strand). VCF-style: chr20-62475260-G-A. GRCh37 (hg19) VCF-style: chr20-61050316-G-A.
Other names: short protein forms P88S.
Identifiers: ClinVar variation 1464733 (VCV001464733.8), dbSNP rs2146490508, ClinGen allele CA409557114.

ClinVar aggregate classification (germline): Uncertain significance (1 of 4 stars; one submission).

Allele frequency attached by ClinVar (database versions not stated): gnomAD exomes below 0.00001.

Submission:

Labcorp Genetics (formerly Invitae), Labcorp
Classification: Uncertain significance. Last evaluated: 2024-01-24. Review status: criteria provided, single submitter. Criteria: Invitae Variant Classification Sherloc (09022015). Collection method: clinical testing. Allele origin: germline.
Comment: This sequence change replaces proline, which is neutral and non-polar, with serine, which is neutral and polar, at codon 88 of the GATA5 protein (p.Pro88Ser). This variant is not present in population databases (gnomAD no frequency). This variant has not been reported in the literature in individuals affected with GATA5-related conditions. ClinVar contains an entry for this variant (Variation ID: 1464733). Advanced modeling of protein sequence and biophysical properties (such as structural, functional, and spatial information, amino acid conservation, physicochemical variation, residue mobility, and thermodynamic stability) performed at Invitae indicates that this missense variant is not expected to disrupt GATA5 protein function with a negative predictive value of 80%. In summary, the available evidence is currently insufficient to determine the role of this variant in disease. Therefore, it has been classified as a Variant of Uncertain Significance.